The following is an entry in ClinVar:

NM_001083962.2(TCF4):c.*3938G>A

Gene: TCF4 (transcription factor 4; minus strand). Cytogenetic location: 18q21.2.
Variant type: single nucleotide variant.
Coding change: c.*3938G>A on transcript NM_001083962.2 (MANE Select); 3938 bases downstream of the stop codon, G replaced by A.
Molecular consequence: 3 prime UTR variant.
Genome position (GRCh38, 1-based): chr18:55,224,097, C>T on the plus strand (G>A on the coding strand, the complement: TCF4 is on the minus strand). VCF-style: chr18-55224097-C-T. GRCh37 (hg19) VCF-style: chr18-52891328-C-T.
Other names: c.*3938G>A (NM_001243226.3, NM_001243227.2, NM_001243228.2 and 42 more transcripts).
Identifiers: ClinVar variation 891729 (VCV000891729.4), dbSNP rs186817281, ClinGen allele CA300789374.
Genomic context (GRCh38, chr18:55,224,097, plus strand): 5'-TTATTTTTAAATTTAGTTTTTTTTTTTTCCTACTAGGGTGTACTACAGTCTATTTTATAG[C>T]AAAAGAGCACTAGACAAACAAAGCTTTATAACAAAAAGCCAGGCACTGATACATGGTAAA-3'

ClinVar aggregate classification (germline): Benign (1 of 4 stars; one submission).

Conditions:
Pitt-Hopkins syndrome (PTHS). Also called: ENCEPHALOPATHY, SEVERE EPILEPTIC, WITH AUTONOMIC DYSFUNCTION; MENTAL RETARDATION, SYNDROMAL, WITH INTERMITTENT HYPERVENTILATION. Identifiers: Orphanet 2896, MedGen C1970431, MONDO:0012589, OMIM 610954.

Allele frequency attached by ClinVar (database versions not stated): 1000 Genomes Project 0.00080; 1000 Genomes Project 30x 0.00172; gnomAD 0.00190 and 0.00193; TOPMed 0.00206.

Submission:

Illumina Laboratory Services, Illumina
Classification: Benign for Pitt-Hopkins syndrome. Last evaluated: 2018-01-13. Review status: criteria provided, single submitter. Criteria: ICSL Variant Classification Criteria 13 December 2019. Collection method: clinical testing. Allele origin: germline.
Comment: This variant was observed in the ICSL laboratory as part of a predisposition screen in an ostensibly healthy population. It had not been previously curated by ICSL or reported in the Human Gene Mutation Database (HGMD: prior to June 1st, 2018), and was therefore a candidate for classification through an automated scoring system. Utilizing variant allele frequency, disease prevalence and penetrance estimates, and inheritance mode, an automated score was calculated to assess if this variant is too frequent to cause the disease. Based on the score and internal cut-off values, a variant classified as benign is not then subjected to further curation. The score for this variant resulted in a classification of benign for this disease.